The following is an entry in ClinVar:

NM_014996.4(PLCH1):c.385C>T (p.Arg129Cys)

Gene: PLCH1 (phospholipase C eta 1; minus strand). Cytogenetic location: 3q25.31.
Variant type: single nucleotide variant.
Coding change: c.385C>T on transcript NM_014996.4 (MANE Select); coding-DNA position 385, C replaced by T.
Protein change: p.Arg129Cys; replaces arginine 129 with cysteine.
Molecular consequence: missense variant.
Genome position (GRCh38, 1-based): chr3:155,594,026, G>A on the plus strand (C>T on the coding strand, the complement: PLCH1 is on the minus strand). VCF-style: chr3-155594026-G-A. GRCh37 (hg19) VCF-style: chr3-155311815-G-A.
Other names: c.349C>T, p.Arg117Cys (NM_001349250.2, NM_001130960.2, NM_001130961.2); c.385C>T, p.Arg129Cys (NM_001349251.2, NM_001349252.2); short protein forms R129C, R117C.
Identifiers: ClinVar variation 2350244 (VCV002350244.4), dbSNP rs373747408, ClinGen allele CA2676878.

ClinVar aggregate classification (germline): Uncertain significance. Review status: criteria provided, multiple submitters, no conflicts (2 of 4 stars). 2 submissions from 2 submitters: Uncertain significance (2). Last evaluated 2025-11-11.

Conditions:
Holoprosencephaly 14. Identifiers: MedGen C5676994, MONDO:0030886, OMIM 619895.

Allele frequency attached by ClinVar (database versions not stated): gnomAD 0.00001; gnomAD exomes 0.00001; ESP Exome Variant Server 0.00008; ExAC 0.00001.
gnomAD v4.1: 15 of 1,613,704 alleles (0.00093%); highest among the groups gnomAD compares: South Asian, 0.0011%; no homozygotes.

Submissions (2):

3billion
Classification: Uncertain significance for Holoprosencephaly 14. Last evaluated: 2025-11-11. Review status: criteria provided, single submitter. Criteria: ACMG Guidelines, 2015. Collection method: clinical testing. Allele origin: germline. Affected: yes.
Comment: The variant is observed at an extremely low frequency in the gnomAD v4.1.0 dataset (total allele frequency: <0.001%). Predicted Consequence/Location: Missense variant Damaging effect on gene or gene product predicted by in silico programs is uncertain [REVEL: 0.47 (damaging >=0.6, benign <0.4), 3Cnet: 0.00 (damaging >0.75, benign <0.1)]. The variant has been reported as of uncertain significance (ClinVar ID: VCV002350244). Therefore, this variant is classified as VUS according to the recommendation of ACMG/AMP guideline.

Ambry Genetics
Classification: Uncertain significance. Last evaluated: 2025-02-12. Review status: criteria provided, single submitter. Criteria: Ambry Variant Classification Scheme 2023. Collection method: clinical testing. Allele origin: germline.